The following is an entry in ClinVar:

NM_001386140.1(MTTP):c.1211A>G (p.Asn404Ser)

Gene: MTTP (microsomal triglyceride transfer protein; plus strand). Cytogenetic location: 4q23.
Variant type: single nucleotide variant.
Coding change: c.1211A>G on transcript NM_001386140.1 (MANE Select); coding-DNA position 1211, A replaced by G.
Protein change: p.Asn404Ser; replaces asparagine 404 with serine.
Molecular consequence: missense variant.
Genome position (GRCh38, 1-based): chr4:99,600,708, A>G. VCF-style: chr4-99600708-A-G. GRCh37 (hg19) VCF-style: chr4-100521865-A-G.
Other names: c.1211A>G, p.Asn404Ser (NM_000253.4); c.962A>G, p.Asn321Ser (NM_001300785.2); short protein forms N321S, N404S.
Identifiers: ClinVar variation 2193516 (VCV002193516.2), dbSNP rs150671886, ClinGen allele CA3022047.

ClinVar aggregate classification (germline): Conflicting classifications of pathogenicity. Review status: criteria provided, conflicting classifications (1 of 4 stars). 2 submissions from 2 submitters: Uncertain significance (1); Likely benign (1). Last evaluated 2024-05-16.

Allele frequency attached by ClinVar (database versions not stated): gnomAD exomes 0.00008; ExAC 0.00012; TOPMed 0.00020; gnomAD 0.00023; 1000 Genomes Project 30x 0.00031; ESP Exome Variant Server 0.00031; 1000 Genomes Project 0.00040.
gnomAD v4.1: 143 of 1,613,776 alleles (0.0089%); highest among the groups gnomAD compares: African/African-American, 0.047%; no homozygotes.

Submissions (2):

Blueprint Genetics
Classification: Likely benign. Last evaluated: 2024-05-16. Review status: criteria provided, single submitter. Criteria: ACMG Guidelines, 2015. Collection method: clinical testing. Allele origin: germline.

Labcorp Genetics (formerly Invitae), Labcorp
Classification: Uncertain significance. Last evaluated: 2022-08-01. Review status: criteria provided, single submitter. Criteria: Invitae Variant Classification Sherloc (09022015). Collection method: clinical testing. Allele origin: germline.
Comment: This sequence change replaces asparagine, which is neutral and polar, with serine, which is neutral and polar, at codon 404 of the MTTP protein (p.Asn404Ser). This variant is present in population databases (rs150671886, gnomAD 0.05%). This variant has not been reported in the literature in individuals affected with MTTP-related conditions. Algorithms developed to predict the effect of missense changes on protein structure and function output the following: SIFT: "Tolerated"; PolyPhen-2: "Benign"; Align-GVGD: "Class C0". The serine amino acid residue is found in multiple mammalian species, which suggests that this missense change does not adversely affect protein function. Algorithms developed to predict the effect of sequence changes on RNA splicing suggest that this variant may create or strengthen a splice site. In summary, the available evidence is currently insufficient to determine the role of this variant in disease. Therefore, it has been classified as a Variant of Uncertain Significance.